The following is an entry in ClinVar:

ClinVar aggregate classification (germline): Pathogenic (1 of 4 stars; one submission).

Conditions:
Aortic valve disease 1 (AOVD1). Identifiers: MedGen C3887892, MONDO:0024523, OMIM 109730.

Submission:

3billion
Classification: Pathogenic for Aortic valve disease 1. Last evaluated: 2024-08-29. Review status: criteria provided, single submitter. Criteria: ACMG Guidelines, 2015. Collection method: clinical testing. Allele origin: germline. Affected: yes.
Comment: The variant is not observed in the gnomAD v4.0.0 dataset. Predicted Consequence/Location: Stop-gained (nonsense): predicted to result in a loss or disruption of normal protein function through nonsense-mediated decay (NMD) or protein truncation. Multiple pathogenic variants are reported downstream of the variant. The variant has been reported to be associated with NOTCH1 related disorder (PMID: 32720365). Therefore, this variant is classified as Pathogenic according to the recommendation of ACMG/AMP guideline.

Literature cited by the submitters: PubMed 32720365.

NM_017617.5(NOTCH1):c.873C>G (p.Tyr291Ter)

Gene: NOTCH1 (notch receptor 1; minus strand). Cytogenetic location: 9q34.3.
Variant type: single nucleotide variant.
Coding change: c.873C>G on transcript NM_017617.5 (MANE Select); coding-DNA position 873, C replaced by G.
Protein change: p.Tyr291Ter; replaces tyrosine 291 with a stop codon.
Molecular consequence: nonsense.
Genome position (GRCh38, 1-based): chr9:136,518,817, G>C on the plus strand (C>G on the coding strand, the complement: NOTCH1 is on the minus strand). VCF-style: chr9-136518817-G-C. GRCh37 (hg19) VCF-style: chr9-139413269-G-C.
Other names: short protein forms Y291*.
Identifiers: ClinVar variation 4293949 (VCV004293949.1).